The following is an entry in ClinVar:

ClinVar aggregate classification (germline): Uncertain significance. Review status: criteria provided, multiple submitters, no conflicts (2 of 4 stars). 2 submissions from 2 submitters: Uncertain significance (2). Last evaluated 2025-08-25.

Conditions:
Hereditary cancer-predisposing syndrome. Also called: Tumor predisposition; Hereditary neoplastic syndrome; Neoplastic Syndromes, Hereditary; Hereditary Cancer Syndrome. Identifiers: Orphanet 140162, MedGen C0027672, MeSH D009386, MONDO:0015356.

Submissions (2):

Ambry Genetics
Classification: Uncertain significance for Hereditary cancer-predisposing syndrome. Last evaluated: 2025-08-25. Review status: criteria provided, single submitter. Criteria: Ambry Variant Classification Scheme 2023. Collection method: clinical testing. Allele origin: germline.
Comment: The p.A472V variant (also known as c.1415C>T), located in coding exon 10 of the CTNNA1 gene, results from a C to T substitution at nucleotide position 1415. The alanine at codon 472 is replaced by valine, an amino acid with similar properties. This amino acid position is conserved. In addition, the in silico prediction for this alteration is inconclusive. Based on the available evidence, the clinical significance of this variant remains unclear.

Labcorp Genetics (formerly Invitae), Labcorp
Classification: Uncertain significance. Last evaluated: 2023-09-05. Review status: criteria provided, single submitter. Criteria: Invitae Variant Classification Sherloc (09022015). Collection method: clinical testing. Allele origin: germline.
Comment: ClinVar contains an entry for this variant (Variation ID: 1492449). This variant has not been reported in the literature in individuals affected with CTNNA1-related conditions. This variant is not present in population databases (gnomAD no frequency). This sequence change replaces alanine, which is neutral and non-polar, with valine, which is neutral and non-polar, at codon 472 of the CTNNA1 protein (p.Ala472Val). Advanced modeling of protein sequence and biophysical properties (such as structural, functional, and spatial information, amino acid conservation, physicochemical variation, residue mobility, and thermodynamic stability) performed at Invitae indicates that this missense variant is not expected to disrupt CTNNA1 protein function. In summary, the available evidence is currently insufficient to determine the role of this variant in disease. Therefore, it has been classified as a Variant of Uncertain Significance.

NM_001903.5(CTNNA1):c.1415C>T (p.Ala472Val)

Gene: CTNNA1 (catenin alpha 1; plus strand). Cytogenetic location: 5q31.2.
Variant type: single nucleotide variant.
Coding change: c.1415C>T on transcript NM_001903.5 (MANE Select); coding-DNA position 1415, C replaced by T.
Protein change: p.Ala472Val; replaces alanine 472 with valine.
Molecular consequence: missense variant. On other transcripts: 5 prime UTR variant (5).
Genome position (GRCh38, 1-based): chr5:138,917,767, C>T. VCF-style: chr5-138917767-C-T. GRCh37 (hg19) VCF-style: chr5-138253456-C-T.
Other names: c.1415C>T, p.Ala472Val (NM_001290307.3, NM_001323982.2, NM_001323983.1 and 2 more transcripts); c.1106C>T, p.Ala369Val (NM_001290309.3); c.1046C>T, p.Ala349Val (NM_001290310.3); c.305C>T, p.Ala102Val (NM_001290312.1, NM_001323987.1, NM_001323988.1 and 17 more transcripts); c.1322C>T, p.Ala441Val (NM_001323986.2); c.-35C>T (NM_001324006.1, NM_001324007.1, NM_001324008.1 and 2 more transcripts); c.212C>T, p.Ala71Val (NM_001324011.1); c.62C>T, p.Ala21Val (NM_001324012.1, NM_001324013.1); and 1 more; short protein forms A102V, A441V, A71V, A349V, A472V, A21V, A369V.
Identifiers: ClinVar variation 1492449 (VCV001492449.7), dbSNP rs2150233826, ClinGen allele CA361137115.